The following is an entry in ClinVar:

ClinVar aggregate classification (germline): Uncertain significance (1 of 4 stars; one submission).

Conditions:
Intellectual disability, CASK-related, X-linked. Identifiers: MedGen CN043158.

Submission:

Labcorp Genetics (formerly Invitae), Labcorp
Classification: Uncertain significance for Intellectual disability, CASK-related, X-linked. Last evaluated: 2020-10-06. Review status: criteria provided, single submitter. Criteria: Invitae Variant Classification Sherloc (09022015). Collection method: clinical testing. Allele origin: germline.
Comment: This variant results in a copy number gain of the genomic region encompassing exon(s) 17-27 of the CASK gene. The 5' boundary is likely confined to intron 16. The 3' end of this event is unknown as it extends beyond the assayed region for this gene and therefore may encompass additional genes. As the precise location of this event is unknown, it may be in tandem or it may be located elsewhere in the genome. This variant has not been reported in the literature in individuals with CASK-related conditions. In summary, the available evidence is currently insufficient to determine the role of this variant in disease. Therefore, it has been classified as a Variant of Uncertain Significance.

NC_000023.10:g.(?_41379673)_(41420907_?)dup

Gene: CASK (calcium/calmodulin dependent serine protein kinase; minus strand). Cytogenetic location: Xp11.4.
Variant type: Duplication.
Identifiers: ClinVar variation 1046934 (VCV001046934.2).